The following is an entry in ClinVar:

NM_001848.3(COL6A1):c.706G>A (p.Val236Met)

Gene: COL6A1 (collagen type VI alpha 1 chain; plus strand). Cytogenetic location: 21q22.3.
Variant type: single nucleotide variant.
Coding change: c.706G>A on transcript NM_001848.3 (MANE Select); coding-DNA position 706, G replaced by A.
Protein change: p.Val236Met; replaces valine 236 with methionine.
Molecular consequence: missense variant.
Genome position (GRCh38, 1-based): chr21:45,987,061, G>A. VCF-style: chr21-45987061-G-A. GRCh37 (hg19) VCF-style: chr21-47406975-G-A.
Other names: short protein forms V236M.
Identifiers: ClinVar variation 848027 (VCV000848027.11), dbSNP rs145269003, ClinGen allele CA10069653.

ClinVar aggregate classification (germline): Conflicting classifications of pathogenicity. Review status: criteria provided, conflicting classifications (1 of 4 stars). 2 submissions from 2 submitters: Uncertain significance (1); Benign (1). Last evaluated 2023-12-14.

Conditions:
Bethlem myopathy 1A. Also called: MYOPATHY, BENIGN CONGENITAL, WITH CONTRACTURES; Bethlem Muscular Dystrophy; Bethlem myopathy 1. Identifiers: Orphanet 610, MedGen CN029274, MONDO:0024530, OMIM 158810.
Collagen 6-related myopathy. Identifiers: MedGen CN117976, MONDO:0100225.

Allele frequency attached by ClinVar (database versions not stated): ExAC below 0.00001; gnomAD exomes 0.00001 and 0.00005; TOPMed 0.00002; gnomAD 0.00003; ESP Exome Variant Server 0.00016.

Submissions (2):

Labcorp Genetics (formerly Invitae), Labcorp
Classification: Benign for Bethlem myopathy 1A. Last evaluated: 2023-12-14. Review status: criteria provided, single submitter. Criteria: Invitae Variant Classification Sherloc (09022015). Collection method: clinical testing. Allele origin: germline.

Victorian Clinical Genetics Services, Murdoch Childrens Research Institute
Classification: Uncertain significance for Collagen 6-related myopathy. Last evaluated: 2020-05-21. Review status: criteria provided, single submitter. Criteria: ACMG Guidelines, 2015. Collection method: clinical testing. Allele origin: germline.
Comment: Based on the classification scheme VCGS_Germline_v1.1.1, this variant is classified as 3C-VUS. Following criteria are met: 0102 - Loss-of-function is a known mechanism of disease for this gene. (N) 0104 - Dominant Negative is a mechanism of disease for this gene. (N) 0108 - This gene is known to be associated with both recessive and dominant disease. (N) 0200 - Variant is predicted to result in a missense amino acid change from valine to methionine (exon 5). (N) 0251 - Variant is heterozygous. (N) 0302 - Variant is present in gnomAD <0.001 for a dominant condition (3 Het, 0 Hom). (P) 0503 - Missense variant consistently predicted to be tolerated or not conserved in mammals with a minor amino acid change. (B) 0600 - Variant is located in an annotated domain or motif. (PDB) (N) 0705 - No comparable variants have previous evidence for pathogenicity. (N) 0807 - Variant has not previously been reported in a clinical context. (N) 0905 - No segregation evidence has been identified for this variant. (N) 1007 - No published functional evidence has been identified for this variant. (N) 1208 - Inheritancce information for this variant is not currently available. (N) Legend: (P) - Pathogenic, (N) - Neutral, (B) - Benign